The following is an entry in ClinVar:

NM_001903.5(CTNNA1):c.900C>T (p.Arg300=)

Gene: CTNNA1 (catenin alpha 1; plus strand). Cytogenetic location: 5q31.2.
Variant type: single nucleotide variant.
Coding change: c.900C>T on transcript NM_001903.5 (MANE Select); coding-DNA position 900, C replaced by T.
Protein change: p.Arg300=; no amino-acid change (arginine 300 retained).
Molecular consequence: synonymous variant.
Genome position (GRCh38, 1-based): chr5:138,827,556, C>T. VCF-style: chr5-138827556-C-T. GRCh37 (hg19) VCF-style: chr5-138163245-C-T.
Other names: c.900C>T, p.Arg300= (NM_001290307.3, NM_001323982.2, NM_001323983.1 and 3 more transcripts); c.591C>T, p.Arg197= (NM_001290309.3); c.531C>T, p.Arg177= (NM_001290310.3).
Identifiers: ClinVar variation 1142939 (VCV001142939.12), dbSNP rs2149785567, ClinGen allele CA446595377.

ClinVar aggregate classification (germline): Benign/Likely benign. Review status: criteria provided, multiple submitters, no conflicts (2 of 4 stars). 3 submissions from 3 submitters: Benign (1); Likely benign (2). Last evaluated 2024-10-10.

Conditions:
Hereditary cancer-predisposing syndrome. Also called: Hereditary neoplastic syndrome; Tumor predisposition; Neoplastic Syndromes, Hereditary; Hereditary Cancer Syndrome. Identifiers: Orphanet 140162, MedGen C0027672, MeSH D009386, MONDO:0015356.
Hereditary diffuse gastric adenocarcinoma (HDGC). Also called: DIFFUSE GASTRIC AND LOBULAR BREAST CANCER SYNDROME. Identifiers: Orphanet 26106, MedGen C1708349, MONDO:0007648, OMIM 137215.

gnomAD v4.1: 2 of 1,614,246 alleles (0.00012%); highest among the groups gnomAD compares: Non-Finnish European, 0.000085%; no homozygotes.

Submissions (3):

Myriad Genetics, Inc.
Classification: Benign for Hereditary diffuse gastric adenocarcinoma. Last evaluated: 2024-10-10. Review status: criteria provided, single submitter. Criteria: Myriad Autosomal Dominant, Autosomal Recessive and X-Linked Classification Criteria (2023). Collection method: clinical testing. Allele origin: unknown.
Comment: This variant is considered benign. This variant is a silent/synonymous amino acid change and it is not expected to impact splicing.

Labcorp Genetics (formerly Invitae), Labcorp
Classification: Likely benign. Last evaluated: 2023-11-25. Review status: criteria provided, single submitter. Criteria: Invitae Variant Classification Sherloc (09022015). Collection method: clinical testing. Allele origin: germline.

Ambry Genetics
Classification: Likely benign for Hereditary cancer-predisposing syndrome. Last evaluated: 2021-03-28. Review status: criteria provided, single submitter. Criteria: Ambry Variant Classification Scheme 2023. Collection method: clinical testing. Allele origin: germline.